The following is an entry in ClinVar:

NM_001128225.3(SLC39A13):c.31A>G (p.Met11Val)

Gene: SLC39A13 (solute carrier family 39 member 13; plus strand). Cytogenetic location: 11p11.2.
Variant type: single nucleotide variant.
Coding change: c.31A>G on transcript NM_001128225.3 (MANE Select); coding-DNA position 31, A replaced by G.
Protein change: p.Met11Val; replaces methionine 11 with valine.
Molecular consequence: missense variant. On other transcripts: non-coding transcript variant (1).
Genome position (GRCh38, 1-based): chr11:47,410,125, A>G. VCF-style: chr11-47410125-A-G. GRCh37 (hg19) VCF-style: chr11-47431676-A-G.
Other names: c.31A>G (NM_152264.4); c.31A>G, p.Met11Val (NM_001330245.2, NM_152264.5); short protein forms M11V.
Identifiers: ClinVar variation 1512991 (VCV001512991.9), dbSNP rs768592866, ClinGen allele CA5975643.

ClinVar aggregate classification (germline): Uncertain significance. Review status: criteria provided, multiple submitters, no conflicts (2 of 4 stars). 4 submissions from 4 submitters: Uncertain significance (4). Last evaluated 2026-01-27.

Conditions:
Ehlers-Danlos syndrome, spondylodysplastic type, 3. Also called: Ehlers-Danlos syndrome, spondylocheirodysplastic type. Identifiers: Orphanet 157965, MedGen C2676510, MONDO:0012873, OMIM 612350.
Inborn genetic diseases. Identifiers: MedGen C0950123, MeSH D030342.

Allele frequency attached by ClinVar (database versions not stated): ExAC 0.00001; gnomAD 0.00001; gnomAD exomes 0.00001; TOPMed 0.00001.

Submissions (4):

Women's Health and Genetics/Laboratory Corporation of America, LabCorp
Classification: Uncertain significance. Last evaluated: 2026-01-27. Review status: criteria provided, single submitter. Criteria: LabCorp Variant Classification Summary - May 2015. Collection method: clinical testing. Allele origin: germline.
Comment: Variant summary: SLC39A13 c.31A>G (p.Met11Val) results in a conservative amino acid change in the encoded protein sequence. Algorithms developed to predict the effect of missense changes on protein structure and function all suggest that this variant is likely to be tolerated. The variant allele was found at a frequency of 8.1e-06 in 248284 control chromosomes. The available data on variant occurrences in the general population are insufficient to allow any conclusion about variant significance. To our knowledge, no occurrence of c.31A>G in individuals affected with SLC39A13-related conditions and no experimental evidence demonstrating its impact on protein function have been reported. ClinVar contains an entry for this variant (Variation ID: 1512991). Based on the evidence outlined above, the variant was classified as uncertain significance.

GeneDx
Classification: Uncertain significance. Last evaluated: 2023-02-23. Review status: criteria provided, single submitter. Criteria: GeneDx Variant Classification Process June 2021. Collection method: clinical testing. Allele origin: germline. Affected: yes.
Comment: Not observed at significant frequency in large population cohorts (gnomAD); In silico analysis supports that this missense variant does not alter protein structure/function; Has not been previously published as pathogenic or benign to our knowledge

Labcorp Genetics (formerly Invitae), Labcorp
Classification: Uncertain significance for Ehlers-Danlos syndrome, spondylodysplastic type, 3. Last evaluated: 2021-09-21. Review status: criteria provided, single submitter. Criteria: Invitae Variant Classification Sherloc (09022015). Collection method: clinical testing. Allele origin: germline.
Comment: This sequence change replaces methionine with valine at codon 11 of the SLC39A13 protein (p.Met11Val). The methionine residue is moderately conserved and there is a small physicochemical difference between methionine and valine. This variant is present in population databases (rs768592866, ExAC 0.002%). This variant has not been reported in the literature in individuals affected with SLC39A13-related conditions. Algorithms developed to predict the effect of missense changes on protein structure and function are either unavailable or do not agree on the potential impact of this missense change (SIFT: "Tolerated"; PolyPhen-2: "Probably Damaging"; Align-GVGD: "Class C0"). In summary, the available evidence is currently insufficient to determine the role of this variant in disease. Therefore, it has been classified as a Variant of Uncertain Significance.

Ambry Genetics
Classification: Uncertain significance for Inborn genetic diseases. Last evaluated: 2021-07-20. Review status: criteria provided, single submitter. Criteria: Ambry Variant Classification Scheme 2023. Collection method: clinical testing. Allele origin: germline.